The following is an entry in ClinVar:

ClinVar aggregate classification (germline): Uncertain significance. Review status: criteria provided, multiple submitters, no conflicts (2 of 4 stars). 2 submissions from 2 submitters: Uncertain significance (2). Last evaluated 2023-08-17.

Conditions:
Pancreatic adenocarcinoma. Identifiers: MedGen C0281361, MONDO:0006047, HP:0006725.

Allele frequency attached by ClinVar (database versions not stated): gnomAD exomes below 0.00001; gnomAD 0.00001; TOPMed 0.00001.
gnomAD v4.1: 2 of 1,613,128 alleles (0.00012%); highest among the groups gnomAD compares: African/African-American, 0.0027%; no homozygotes.

Submissions (2):

Labcorp Genetics (formerly Invitae), Labcorp
Classification: Uncertain significance for Pancreatic adenocarcinoma. Last evaluated: 2023-08-17. Review status: criteria provided, single submitter. Criteria: Invitae Variant Classification Sherloc (09022015). Collection method: clinical testing. Allele origin: germline.
Comment: In summary, the available evidence is currently insufficient to determine the role of this variant in disease. Therefore, it has been classified as a Variant of Uncertain Significance. An algorithm developed to predict the effect of missense changes on protein structure and function (PolyPhen-2) suggests that this variant is likely to be tolerated. ClinVar contains an entry for this variant (Variation ID: 1358895). This variant has not been reported in the literature in individuals affected with PALLD-related conditions. This variant is not present in population databases (gnomAD no frequency). This sequence change replaces serine, which is neutral and polar, with glycine, which is neutral and non-polar, at codon 410 of the PALLD protein (p.Ser410Gly).

Ambry Genetics
Classification: Uncertain significance. Last evaluated: 2022-02-15. Review status: criteria provided, single submitter. Criteria: Ambry Variant Classification Scheme 2023. Collection method: clinical testing. Allele origin: germline.
Comment: The p.S897G variant (also known as c.2689A>G), located in coding exon 15 of the PALLD gene, results from an A to G substitution at nucleotide position 2689. The serine at codon 897 is replaced by glycine, an amino acid with similar properties. This amino acid position is conserved. In addition, the in silico prediction for this alteration is inconclusive. Since supporting evidence is limited at this time, the clinical significance of this alteration remains unclear.

NM_001166108.2(PALLD):c.2740A>G (p.Ser914Gly)

Genes: CBR4 (carbonyl reductase 4; minus strand), PALLD (palladin, cytoskeletal associated protein; plus strand). Cytogenetic location: 4q32.3.
Variant type: single nucleotide variant.
Coding change: c.2740A>G on transcript NM_001166108.2 (MANE Select); coding-DNA position 2740, A replaced by G.
Protein change: p.Ser914Gly; replaces serine 914 with glycine.
Molecular consequence: missense variant.
Genome position (GRCh38, 1-based): chr4:168,915,917, A>G. VCF-style: chr4-168915917-A-G. GRCh37 (hg19) VCF-style: chr4-169837068-A-G.
Other names: c.1543A>G, p.Ser515Gly (NM_001166109.2); c.1228A>G, p.Ser410Gly (NM_001166110.2); c.568A>G, p.Ser190Gly (NM_001367567.1, NM_001367569.1); c.619A>G, p.Ser207Gly (NM_001367568.1, NM_001367570.1); c.2689A>G, p.Ser897Gly (NM_016081.4); short protein forms S190G, S207G, S410G, S515G, S897G, S914G.
Identifiers: ClinVar variation 1358895 (VCV001358895.10), dbSNP rs950480850, ClinGen allele CA109855833.